The following is an entry in ClinVar:

NM_000257.4(MYH7):c.562A>C (p.Thr188Pro)

Gene: MYH7 (myosin heavy chain 7; minus strand). Cytogenetic location: 14q11.2.
Variant type: single nucleotide variant.
Coding change: c.562A>C on transcript NM_000257.4 (MANE Select); coding-DNA position 562, A replaced by C.
Protein change: p.Thr188Pro; replaces threonine 188 with proline.
Molecular consequence: missense variant.
Genome position (GRCh38, 1-based): chr14:23,431,838, T>G on the plus strand (A>C on the coding strand, the complement: MYH7 is on the minus strand). VCF-style: chr14-23431838-T-G. GRCh37 (hg19) VCF-style: chr14-23901047-T-G.
Other names: short protein forms T188P.
Identifiers: ClinVar variation 998477 (VCV000998477.8), dbSNP rs1892958246, ClinGen allele CA389052544.

ClinVar aggregate classification (germline): Uncertain significance (1 of 4 stars; one submission).

Conditions:
Hypertrophic cardiomyopathy. Also called: HYPERTROPHIC MYOCARDIOPATHY. Identifiers: Orphanet 217569, MedGen C0007194, MeSH D002312, MONDO:0005045, HP:0001639.

Submission:

Labcorp Genetics (formerly Invitae), Labcorp
Classification: Uncertain significance for Hypertrophic cardiomyopathy. Last evaluated: 2020-04-15. Review status: criteria provided, single submitter. Criteria: Invitae Variant Classification Sherloc (09022015). Collection method: clinical testing. Allele origin: germline.
Comment: Algorithms developed to predict the effect of missense changes on protein structure and function are either unavailable or do not agree on the potential impact of this missense change (SIFT: "Deleterious"; PolyPhen-2: "Benign"; Align-GVGD: "Class C0"). In summary, the available evidence is currently insufficient to determine the role of this variant in disease. Therefore, it has been classified as a Variant of Uncertain Significance. This variant is found within a region of MYH7 between codons 181 and 937 that contains the majority of the myosin head domain. Missense variants in this region have been shown to be significantly overrepresented in individuals with hypertrophic cardiomyopathy (PMID: 27532257). This variant has not been reported in the literature in individuals with MYH7-related conditions. This variant is not present in population databases (ExAC no frequency). This sequence change replaces threonine with proline at codon 188 of the MYH7 protein (p.Thr188Pro). The threonine residue is highly conserved and there is a small physicochemical difference between threonine and proline.

Literature cited by the submitters: PubMed 27532257.